The following is an entry in ClinVar:

NM_001754.5(RUNX1):c.1418A>C (p.Glu473Ala)

Gene: RUNX1 (RUNX family transcription factor 1; minus strand). Cytogenetic location: 21q22.12.
Variant type: single nucleotide variant.
Coding change: c.1418A>C on transcript NM_001754.5 (MANE Select); coding-DNA position 1418, A replaced by C.
Protein change: p.Glu473Ala; replaces glutamic acid 473 with alanine.
Molecular consequence: missense variant.
Genome position (GRCh38, 1-based): chr21:34,792,160, T>G on the plus strand (A>C on the coding strand, the complement: RUNX1 is on the minus strand). VCF-style: chr21-34792160-T-G. GRCh37 (hg19) VCF-style: chr21-36164457-T-G.
Other names: NM_001754.5(RUNX1):c.1418A>C; p.Glu473Ala; c.1337A>C, p.Glu446Ala (NM_001001890.3); short protein forms E473A, E446A.
Identifiers: ClinVar variation 570149 (VCV000570149.9), dbSNP rs1569001446, ClinGen allele CA410146659.

ClinVar aggregate classification (germline): Uncertain significance. Review status: reviewed by expert panel (3 of 4 stars). 2 submissions from 2 submitters: Uncertain significance (1). 1 of the submissions does not count toward it. Last evaluated 2024-10-29.

Conditions:
Hereditary thrombocytopenia and hematologic cancer predisposition syndrome. Identifiers: Orphanet 71290, MedGen CN281654, MONDO:0011071.
Hereditary thrombocytopenia and hematological cancer predisposition syndrome associated with RUNX1. Also called: Familial Platelet Disorder with Propensity to Acute Myelogenous Leukemia; Familial thrombocytopenia with propensity to acute myelogenous leukemia; PLATELET DISORDER, ASPIRIN-LIKE; RUNX1 Familial Platelet Disorder with Associated Myeloid Malignancies. Identifiers: Orphanet 71290, MedGen C1832388, MeSH C563324, MONDO:0100083, OMIM 601399.

Submissions (2):

ClinGen Myeloid Malignancy Variant Curation Expert Panel
Classification: Uncertain significance for Hereditary thrombocytopenia and hematologic cancer predisposition syndrome. Last evaluated: 2024-10-29. Review status: reviewed by expert panel. Criteria: ClinGen MyeloMalig ACMG Specifications v2. Collection method: curation. Allele origin: germline. Inheritance: Autosomal dominant inheritance.
Comment: NM_001754.5(RUNX1):c.1418A>C (p.Glu473Ala) is a missense variant which has a REVEL score < 0.50 (0.162) and a SpliceAI score ≤ 0.20 (0.0) (BP4). This variant is completely absent from all population databases with at least 20x coverage for RUNX1 (PM2_Supporting). In summary, the clinical significance of this variant is uncertain. ACMG/AMP criteria applied, as specified by the Myeloid Malignancy Variant Curation Expert Panel for RUNX1: BP4, PM2_supporting.

Labcorp Genetics (formerly Invitae), Labcorp
Classification: Uncertain significance for Hereditary thrombocytopenia and hematological cancer predisposition syndrome associated with RUNX1. Last evaluated: 2018-06-08. Review status: criteria provided, single submitter. Criteria: Invitae Variant Classification Sherloc (09022015). Collection method: clinical testing. Allele origin: germline. Not counted in ClinVar's aggregate classification.
Comment: This variant has not been reported in the literature in individuals with RUNX1-related disease. This sequence change replaces glutamic acid with alanine at codon 473 of the RUNX1 protein (p.Glu473Ala). The glutamic acid residue is moderately conserved and there is a moderate physicochemical difference between glutamic acid and alanine. While this variant is not present in population databases, the frequency information is unreliable, as metrics indicate poor data quality at this position in the ExAC database. Algorithms developed to predict the effect of missense changes on protein structure and function are either unavailable or do not agree on the potential impact of this missense change (SIFT: "Deleterious"; PolyPhen-2: "Probably Damaging"; Align-GVGD: "Class C0"). In summary, the available evidence is currently insufficient to determine the role of this variant in disease. Therefore, it has been classified as a Variant of Uncertain Significance.